The following is an entry in ClinVar:

ClinVar aggregate classification (germline): Uncertain significance. Review status: criteria provided, multiple submitters, no conflicts (2 of 4 stars). 3 submissions from 3 submitters: Uncertain significance (2). 1 of the submissions does not count toward it. Last evaluated 2025-12-27.

Conditions:
GLI3-related disorder. Also called: GLI3-related disorders; GLI3-related condition. Identifiers: MedGen CN239292.
Greig cephalopolysyndactyly syndrome (GCPS). Also called: POLYSYNDACTYLY WITH PECULIAR SKULL SHAPE; Greig syndrome; GLI3-Related Greig Cephalopolysyndactyly Syndrome. Identifiers: Orphanet 380, MedGen C0265306, MONDO:0008287, OMIM 175700.
Pallister-Hall syndrome (PHS). Also called: HYPOTHALAMIC HAMARTOBLASTOMA, HYPOPITUITARISM, IMPERFORATE ANUS, AND POSTAXIAL POLYDACTYLY; GLI3-Related Pallister-Hall Syndrome. Identifiers: Orphanet 672, MedGen C0265220, MONDO:0007804, OMIM 146510.
Inborn genetic diseases. Identifiers: MedGen C0950123, MeSH D030342.

Allele frequency attached by ClinVar (database versions not stated): ExAC 0.00001; gnomAD 0.00001; TOPMed 0.00001.
gnomAD v4.1: 33 of 1,608,516 alleles (0.0021%); highest among the groups gnomAD compares: Non-Finnish European, 0.0028%; no homozygotes.

Submissions (3):

Labcorp Genetics (formerly Invitae), Labcorp
Classification: Uncertain significance for Pallister-Hall syndrome; Greig cephalopolysyndactyly syndrome. Last evaluated: 2025-12-27. Review status: criteria provided, single submitter. Criteria: Invitae Variant Classification Sherloc (09022015). Collection method: clinical testing. Allele origin: germline.
Comment: This sequence change replaces methionine, which is neutral and non-polar, with isoleucine, which is neutral and non-polar, at codon 951 of the GLI3 protein (p.Met951Ile). This variant is present in population databases (rs750002436, gnomAD 0.002%). This variant has not been reported in the literature in individuals affected with GLI3-related conditions. ClinVar contains an entry for this variant (Variation ID: 2316152). Invitae Evidence Modeling of protein sequence and biophysical properties (such as structural, functional, and spatial information, amino acid conservation, physicochemical variation, residue mobility, and thermodynamic stability) indicates that this missense variant is not expected to disrupt GLI3 protein function with a negative predictive value of 95%. In summary, the available evidence is currently insufficient to determine the role of this variant in disease. Therefore, it has been classified as a Variant of Uncertain Significance.

Ambry Genetics
Classification: Uncertain significance for Inborn genetic diseases. Last evaluated: 2022-10-04. Review status: criteria provided, single submitter. Criteria: Ambry Variant Classification Scheme 2023. Collection method: clinical testing. Allele origin: germline.

PreventionGenetics, part of Exact Sciences
Classification: Uncertain significance for GLI3-related condition. Last evaluated: 2024-01-03. Review status: no assertion criteria provided. Collection method: clinical testing. Allele origin: germline. Not counted in ClinVar's aggregate classification.
Comment: The GLI3 c.2853G>C variant is predicted to result in the amino acid substitution p.Met951Ile. To our knowledge, this variant has not been reported in the literature. This variant is reported in 0.0020% of alleles in individuals of European (Non-Finnish) descent in gnomAD. At this time, the clinical significance of this variant is uncertain due to the absence of conclusive functional and genetic evidence.

NM_000168.6(GLI3):c.2853G>C (p.Met951Ile)

Gene: GLI3 (GLI family zinc finger 3; minus strand). Cytogenetic location: 7p14.1.
Variant type: single nucleotide variant.
Coding change: c.2853G>C on transcript NM_000168.6 (MANE Select); coding-DNA position 2853, G replaced by C.
Protein change: p.Met951Ile; replaces methionine 951 with isoleucine.
Molecular consequence: missense variant.
Genome position (GRCh38, 1-based): chr7:41,966,220, C>G on the plus strand (G>C on the coding strand, the complement: GLI3 is on the minus strand). VCF-style: chr7-41966220-C-G. GRCh37 (hg19) VCF-style: chr7-42005818-C-G.
Other names: short protein forms M951I.
Identifiers: ClinVar variation 2316152 (VCV002316152.5), dbSNP rs750002436, ClinGen allele CA4230514.